The following is an entry in ClinVar:

ClinVar aggregate classification (germline): Uncertain significance (1 of 4 stars; one submission).

Submission:

Labcorp Genetics (formerly Invitae), Labcorp
Classification: Uncertain significance. Last evaluated: 2024-05-15. Review status: criteria provided, single submitter. Criteria: Invitae Variant Classification Sherloc (09022015). Collection method: clinical testing. Allele origin: germline.
Comment: This sequence change replaces phenylalanine, which is neutral and non-polar, with cysteine, which is neutral and slightly polar, at codon 1354 of the NEXMIF protein (p.Phe1354Cys). This variant is not present in population databases (gnomAD no frequency). This variant has not been reported in the literature in individuals affected with NEXMIF-related conditions. An algorithm developed to predict the effect of missense changes on protein structure and function (PolyPhen-2) suggests that this variant is likely to be tolerated. In summary, the available evidence is currently insufficient to determine the role of this variant in disease. Therefore, it has been classified as a Variant of Uncertain Significance.

NM_001008537.3(NEXMIF):c.4061T>G (p.Phe1354Cys)

Gene: NEXMIF (neurite extension and migration factor; minus strand). Cytogenetic location: Xq13.3.
Variant type: single nucleotide variant.
Coding change: c.4061T>G on transcript NM_001008537.3 (MANE Select); coding-DNA position 4061, T replaced by G.
Protein change: p.Phe1354Cys; replaces phenylalanine 1354 with cysteine.
Molecular consequence: missense variant.
Genome position (GRCh38, 1-based): chrX:74,740,496, A>C on the plus strand (T>G on the coding strand, the complement: NEXMIF is on the minus strand). VCF-style: chrX-74740496-A-C. GRCh37 (hg19) VCF-style: chrX-73960331-A-C.
Other names: short protein forms F1354C.
Identifiers: ClinVar variation 2811520 (VCV002811520.3), dbSNP rs2519911339, ClinGen allele CA413664116.